The following is an entry in ClinVar:

NM_004006.3(DMD):c.3277-2A>G

Gene: DMD (dystrophin; minus strand). Cytogenetic location: Xp21.1.
Variant type: single nucleotide variant.
Coding change: c.3277-2A>G on transcript NM_004006.3 (MANE Select); the canonical splice acceptor site of the intron before coding-DNA position 3277, A replaced by G.
Molecular consequence: splice acceptor variant.
Genome position (GRCh38, 1-based): chrX:32,463,596, T>C on the plus strand (A>G on the coding strand, the complement: DMD is on the minus strand). VCF-style: chrX-32463596-T-C. GRCh37 (hg19) VCF-style: chrX-32481713-T-C.
Other names: c.3253-2A>G (NM_000109.4); c.3265-2A>G (NM_004009.3); c.2908-2A>G (NM_004010.3).
Identifiers: ClinVar variation 2068753 (VCV002068753.4), dbSNP rs2098391032, ClinGen allele CA412664638.
Genomic context (GRCh38, chrX:32,463,596, plus strand): 5'-CCACCTTCATTGACACTGTTTAGACTGGGCTGAATTGTCTGAATATCACTGACTAAAAGC[T>C]AAGAAAATAAATCAATTTAAGCCAGCTGAAAAAAATTACTGCCACATATTAGATATGAAA-3'

ClinVar aggregate classification (germline): Pathogenic (1 of 4 stars; one submission).

Conditions:
Duchenne muscular dystrophy (DMD). Also called: MUSCULAR DYSTROPHY, PSEUDOHYPERTROPHIC PROGRESSIVE, DUCHENNE TYPE; Duchenne Muscular Dystrophy (DMD). Identifiers: Orphanet 98896, MedGen C0013264, MONDO:0010679, OMIM 310200.

Submission:

Labcorp Genetics (formerly Invitae), Labcorp
Classification: Pathogenic for Duchenne muscular dystrophy. Last evaluated: 2025-09-14. Review status: criteria provided, single submitter. Criteria: Invitae Variant Classification Sherloc (09022015). Collection method: clinical testing. Allele origin: germline.
Comment: This sequence change affects an acceptor splice site in intron 24 of the DMD gene. It is expected to disrupt RNA splicing. Variants that disrupt the donor or acceptor splice site typically lead to a loss of protein function (PMID: 16199547), and loss-of-function variants in DMD are known to be pathogenic (PMID: 16770791, 25007885). This variant is not present in population databases (gnomAD no frequency). Disruption of this splice site has been observed in individuals with clinical features of DMD-related dystrophinopathies (PMID: 27363342, 32194622). ClinVar contains an entry for this variant (Variation ID: 2068753). Algorithms developed to predict the effect of sequence changes on RNA splicing suggest that this variant may disrupt the consensus splice site. For these reasons, this variant has been classified as Pathogenic.

Literature cited by the submitters: PubMed 16199547; PubMed 16770791; PubMed 25007885; PubMed 27363342; PubMed 32194622.